The following is an entry in ClinVar:

NM_000260.4(MYO7A):c.5748C>T (p.Phe1916=)

Gene: MYO7A (myosin VIIA; plus strand). Cytogenetic location: 11q13.5.
Variant type: single nucleotide variant.
Coding change: c.5748C>T on transcript NM_000260.4 (MANE Select); coding-DNA position 5748, C replaced by T.
Protein change: p.Phe1916=; no amino-acid change (phenylalanine 1916 retained).
Molecular consequence: synonymous variant.
Genome position (GRCh38, 1-based): chr11:77,207,294, C>T. VCF-style: chr11-77207294-C-T. GRCh37 (hg19) VCF-style: chr11-76918339-C-T.
Other names: c.5634C>T, p.Phe1878= (NM_001127180.2); c.5601C>T, p.Phe1867= (NM_001369365.1).
Identifiers: ClinVar variation 517522 (VCV000517522.13), dbSNP rs756514910, ClinGen allele CA6198828.

ClinVar aggregate classification (germline): Likely benign. Review status: criteria provided, multiple submitters, no conflicts (2 of 4 stars). 3 submissions from 3 submitters: Likely benign (3). Last evaluated 2025-03-07.

Allele frequency attached by ClinVar (database versions not stated): gnomAD 0.00004; TOPMed 0.00004; gnomAD exomes 0.00009; ExAC 0.00011.
gnomAD v4.1: 65 of 1,609,074 alleles (0.004%); highest among the groups gnomAD compares: East Asian, 0.031%; no homozygotes.

Submissions (3):

Labcorp Genetics (formerly Invitae), Labcorp
Classification: Likely benign. Last evaluated: 2025-03-07. Review status: criteria provided, single submitter. Criteria: Invitae Variant Classification Sherloc (09022015). Collection method: clinical testing. Allele origin: germline.

Blueprint Genetics
Classification: Likely benign. Last evaluated: 2023-08-31. Review status: criteria provided, single submitter. Criteria: ACMG Guidelines, 2015. Collection method: clinical testing. Allele origin: germline.

Laboratory for Molecular Medicine, Mass General Brigham Personalized Medicine
Classification: Likely benign. Last evaluated: 2017-09-14. Review status: criteria provided, single submitter. Criteria: LMM Criteria. Collection method: clinical testing. Allele origin: germline. Observed: 1 variant allele.
Comment: p.Phe1916Phe in exon 42 of MYO7A: This variant is not expected to have clinical significance because it does not alter an amino acid residue and is not located within the splice consensus sequence. It has been identified in 12/18504 of East Asian chromosomes by the Genome Aggregation Database (gnomAD; dbSNP rs756514910).